The following is an entry in ClinVar:

ClinVar aggregate classification (germline): Uncertain significance (1 of 4 stars; one submission).

Conditions:
3-methylcrotonyl-CoA carboxylase 1 deficiency (MCC1D). Also called: MCCD TYPE 1; METHYLCROTONYLGLYCINURIA TYPE I; MCC 1 deficiency; 3 Alpha methylcrotonylglycinuria 1. Identifiers: Orphanet 6, MedGen CN028786, MONDO:0008861, OMIM 210200.

Allele frequency attached by ClinVar (database versions not stated): TOPMed below 0.00001.

Submission:

Labcorp Genetics (formerly Invitae), Labcorp
Classification: Uncertain significance for 3-methylcrotonyl-CoA carboxylase 1 deficiency. Last evaluated: 2018-12-25. Review status: criteria provided, single submitter. Criteria: Invitae Variant Classification Sherloc (09022015). Collection method: clinical testing. Allele origin: germline.
Comment: In summary, the available evidence is currently insufficient to determine the role of this variant in disease. Therefore, it has been classified as a Variant of Uncertain Significance. Algorithms developed to predict the effect of sequence changes on RNA splicing suggest that this variant may disrupt the consensus splice site, but this prediction has not been confirmed by published transcriptional studies. This variant has not been reported in the literature in individuals with MCCC1-related disease. This variant is not present in population databases (ExAC no frequency). This sequence change falls in intron 2 of the MCCC1 gene. It does not directly change the encoded amino acid sequence of the MCCC1 protein.

NM_020166.5(MCCC1):c.137-10T>G

Gene: MCCC1 (methylcrotonyl-CoA carboxylase subunit 1; minus strand). Cytogenetic location: 3q27.1.
Variant type: single nucleotide variant.
Coding change: c.137-10T>G on transcript NM_020166.5 (MANE Select); 10 bases into the intron before coding-DNA position 137, T replaced by G.
Molecular consequence: intron variant.
Genome position (GRCh38, 1-based): chr3:183,092,555, A>C on the plus strand (T>G on the coding strand, the complement: MCCC1 is on the minus strand). VCF-style: chr3-183092555-A-C. GRCh37 (hg19) VCF-style: chr3-182810343-A-C.
Other names: c.-55+2004T>G (NM_001363880.1); c.44+2004T>G (NM_001293273.2).
Identifiers: ClinVar variation 580509 (VCV000580509.9), dbSNP rs1560281403, ClinGen allele CA891842702.